The following is an entry in ClinVar:

ClinVar aggregate classification (germline): Uncertain significance (1 of 4 stars; one submission).

Allele frequency attached by ClinVar (database versions not stated): gnomAD exomes 0.00001; ExAC 0.00004; gnomAD 0.00005 and 0.00006.
gnomAD v4.1: 10 of 1,564,046 alleles (0.00064%); highest among the groups gnomAD compares: African/African-American, 0.012%; no homozygotes.

Submission:

Labcorp Genetics (formerly Invitae), Labcorp
Classification: Uncertain significance. Last evaluated: 2022-11-01. Review status: criteria provided, single submitter. Criteria: Invitae Variant Classification Sherloc (09022015). Collection method: clinical testing. Allele origin: germline.
Comment: In summary, the available evidence is currently insufficient to determine the role of this variant in disease. Therefore, it has been classified as a Variant of Uncertain Significance. Algorithms developed to predict the effect of missense changes on protein structure and function are either unavailable or do not agree on the potential impact of this missense change (SIFT: "Deleterious"; PolyPhen-2: "Benign"; Align-GVGD: "Class C25"). ClinVar contains an entry for this variant (Variation ID: 1367975). This variant has not been reported in the literature in individuals affected with MPDZ-related conditions. This variant is present in population databases (rs755439864, gnomAD 0.02%). This sequence change replaces proline, which is neutral and non-polar, with alanine, which is neutral and non-polar, at codon 1541 of the MPDZ protein (p.Pro1541Ala).

NM_001378778.1(MPDZ):c.4621C>G (p.Pro1541Ala)

Gene: MPDZ (multiple PDZ domain crumbs cell polarity complex component; minus strand). Cytogenetic location: 9p23.
Variant type: single nucleotide variant.
Coding change: c.4621C>G on transcript NM_001378778.1 (MANE Select); coding-DNA position 4621, C replaced by G.
Protein change: p.Pro1541Ala; replaces proline 1541 with alanine.
Molecular consequence: missense variant.
Genome position (GRCh38, 1-based): chr9:13,126,527, G>C on the plus strand (C>G on the coding strand, the complement: MPDZ is on the minus strand). VCF-style: chr9-13126527-G-C. GRCh37 (hg19) VCF-style: chr9-13126526-G-C.
Other names: c.4522C>G, p.Pro1508Ala (NM_001261406.2, NM_001261407.2, NM_001375416.1 and 3 more transcripts); c.4621C>G, p.Pro1541Ala (NM_001330637.2, NM_003829.5); c.4720C>G, p.Pro1574Ala (NM_001375413.1); c.4411C>G, p.Pro1471Ala (NM_001375420.1, NM_001375421.1, NM_001375422.1 and 4 more transcripts); c.4213C>G, p.Pro1405Ala (NM_001375427.1); short protein forms P1541A, P1574A, P1405A, P1508A, P1471A.
Identifiers: ClinVar variation 1367975 (VCV001367975.8), dbSNP rs755439864, ClinGen allele CA4986634.